The following is an entry in ClinVar:

NM_020762.4(SRGAP1):c.2835G>A (p.Thr945=)

Gene: SRGAP1 (SLIT-ROBO Rho GTPase activating protein 1; plus strand). Cytogenetic location: 12q14.2.
Variant type: single nucleotide variant.
Coding change: c.2835G>A on transcript NM_020762.4 (MANE Select); coding-DNA position 2835, G replaced by A.
Protein change: p.Thr945=; no amino-acid change (threonine 945 retained).
Molecular consequence: synonymous variant.
Genome position (GRCh38, 1-based): chr12:64,128,155, G>A. VCF-style: chr12-64128155-G-A. GRCh37 (hg19) VCF-style: chr12-64521935-G-A.
Other names: c.2766G>A, p.Thr922= (NM_001346201.2).
Identifiers: ClinVar variation 3771402 (VCV003771402.13).
Genomic context (GRCh38, chr12:64,128,155, plus strand): 5'-CTCCCTCAAGAAGATCGACAGCCCTCCCATTAGAAGGTCCACGTCATCAGGGCAATACAC[G>A]GGCTTCAATGACCACAAGCCACTGGACCCAGAGACAATTGCTCAGGTACGATGCTTTTAA-3'
Protein context (NP_065813.1, residues 935-955): IRRSTSSGQY[Thr945=]GFNDHKPLDP

ClinVar aggregate classification (germline): Likely benign (1 of 4 stars; one submission).

gnomAD v4.1: 174 of 1,613,750 alleles (0.011%); highest among the groups gnomAD compares: Non-Finnish European, 0.014%; no homozygotes.

Submission:

CeGaT Center for Human Genetics Tuebingen
Classification: Likely benign. Last evaluated: 2025-01-01. Review status: criteria provided, single submitter. Criteria: CeGaT Center For Human Genetics Tuebingen Variant Classification Criteria Version 2. Collection method: clinical testing. Allele origin: germline. Affected: yes. Observed: 1 variant allele.
Comment: SRGAP1: BP4, BP7